The following is an entry in ClinVar:

NM_014946.4(SPAST):c.116C>A (p.Ala39Asp)

Gene: SPAST (spastin; plus strand). Cytogenetic location: 2p22.3.
Variant type: single nucleotide variant.
Coding change: c.116C>A on transcript NM_014946.4 (MANE Select); coding-DNA position 116, C replaced by A.
Protein change: p.Ala39Asp; replaces alanine 39 with aspartic acid.
Molecular consequence: missense variant.
Genome position (GRCh38, 1-based): chr2:32,063,947, C>A. VCF-style: chr2-32063947-C-A. GRCh37 (hg19) VCF-style: chr2-32289016-C-A.
Other names: c.116C>A, p.Ala39Asp (NM_001363823.2, NM_001363875.2, NM_001377959.1 and 1 more transcripts); short protein forms A39D.
Identifiers: ClinVar variation 2219291 (VCV002219291.4), dbSNP rs1176214835, ClinGen allele CA346601385.

ClinVar aggregate classification (germline): Uncertain significance. Review status: criteria provided, multiple submitters, no conflicts (2 of 4 stars). 2 submissions from 2 submitters: Uncertain significance (2). Last evaluated 2025-08-14.

Conditions:
Inborn genetic diseases. Identifiers: MedGen C0950123, MeSH D030342.

Allele frequency attached by ClinVar (database versions not stated): gnomAD exomes below 0.00001; gnomAD 0.00001; TOPMed 0.00001.
gnomAD v4.1: 3 of 1,608,384 alleles (0.00019%); highest among the groups gnomAD compares: Non-Finnish European, 0.00025%; no homozygotes.

Submissions (2):

GeneDx
Classification: Uncertain significance. Last evaluated: 2025-08-14. Review status: criteria provided, single submitter. Criteria: GeneDx Variant Classification Process June 2021. Collection method: clinical testing. Allele origin: germline. Affected: yes.
Comment: Not observed at significant frequency in large population cohorts (gnomAD); In silico analysis suggests that this missense variant does not alter protein structure/function; Has not been previously published as pathogenic or benign to our knowledge

Ambry Genetics
Classification: Uncertain significance for Inborn genetic diseases. Last evaluated: 2025-01-28. Review status: criteria provided, single submitter. Criteria: Ambry Variant Classification Scheme 2023. Collection method: clinical testing. Allele origin: germline.